The following is an entry in ClinVar:

NM_006642.5(SDCCAG8):c.1690G>C (p.Glu564Gln)

Gene: SDCCAG8 (SHH signaling and ciliogenesis regulator SDCCAG8; plus strand). Cytogenetic location: 1q43.
Variant type: single nucleotide variant.
Coding change: c.1690G>C on transcript NM_006642.5 (MANE Select); coding-DNA position 1690, G replaced by C.
Protein change: p.Glu564Gln; replaces glutamic acid 564 with glutamine.
Molecular consequence: missense variant.
Genome position (GRCh38, 1-based): chr1:243,415,775, G>C. VCF-style: chr1-243415775-G-C. GRCh37 (hg19) VCF-style: chr1-243579077-G-C.
Other names: c.787G>C, p.Glu263Gln (NM_001350246.2, NM_001350247.2, NM_001350251.2); c.1786G>C, p.Glu596Gln (NM_001350248.2); c.1396G>C, p.Glu466Gln (NM_001350249.2); short protein forms E263Q, E466Q, E596Q, E564Q.
Identifiers: ClinVar variation 873718 (VCV000873718.6), dbSNP rs750265815, ClinGen allele CA1483705.
Genomic context (GRCh38, chr1:243,415,775, plus strand): 5'-AGCATTCAGCAGAGCTTTAGCAAGGAAGCAAAGGCCCAAGCCCTTCAGGCCCAGCAAAGA[G>C]AGCAGGAGCTGACACAGAAGATACAGCAAATGGAGGCCCAGCATGACAAAACTGGTAGGT-3'
Protein context (NP_006633.1, residues 554-574): KAQALQAQQR[Glu564Gln]QELTQKIQQM

ClinVar aggregate classification (germline): Uncertain significance. Review status: criteria provided, multiple submitters, no conflicts (2 of 4 stars). 4 submissions from 3 submitters: Uncertain significance (4). Last evaluated 2026-09-16.

Conditions:
SDCCAG8-related disorder. Also called: SDCCAG8-related condition; SDCCAG8-Related Disorders.
Bardet-Biedl syndrome 16 (BBS16). Identifiers: Orphanet 110, MedGen C3889474, MONDO:0014444, OMIM 615993.
Senior-Loken syndrome 7 (SLSN7). Identifiers: Orphanet 3156, MedGen C3150877, MONDO:0013326, OMIM 613615.

Allele frequency attached by ClinVar (database versions not stated): ExAC 0.00001; gnomAD exomes 0.00001.
gnomAD v4.1: 5 of 1,613,820 alleles (0.00031%); highest among the groups gnomAD compares: Non-Finnish European, 0.00034%; no homozygotes.

Submissions (4):

PreventionGenetics, part of Exact Sciences
Classification: Uncertain significance for SDCCAG8-related condition. Last evaluated: 2026-09-16. Review status: criteria provided, single submitter. Criteria: ACMG Guidelines, 2015. Collection method: clinical testing. Allele origin: germline.
Comment: The SDCCAG8 c.1690G>C variant is predicted to result in the amino acid substitution p.Glu564Gln. To our knowledge, this variant has not been reported in the literature. This variant is reported in 0.0033% of alleles in individuals of South Asian descent in gnomAD. At this time, the clinical significance of this variant is uncertain due to the absence of conclusive functional and genetic evidence.

Fulgent Genetics
Classification: Uncertain significance for Senior-Loken syndrome 7; Bardet-Biedl syndrome 16. Last evaluated: 2022-01-20. Review status: criteria provided, single submitter. Criteria: ACMG Guidelines, 2015. Collection method: clinical testing. Allele origin: unknown.

Illumina Laboratory Services, Illumina
Classification: Uncertain significance for Bardet-Biedl syndrome 16. Last evaluated: 2018-01-13. Review status: criteria provided, single submitter. Criteria: ICSL Variant Classification Criteria 13 December 2019. Collection method: clinical testing. Allele origin: germline.

Illumina Laboratory Services, Illumina
Classification: Uncertain significance for Senior-Loken syndrome 7. Last evaluated: 2018-01-13. Review status: criteria provided, single submitter. Criteria: ICSL Variant Classification Criteria 13 December 2019. Collection method: clinical testing. Allele origin: germline.